The following is an entry in ClinVar:

NM_212482.4(FN1):c.1022G>C (p.Ser341Thr)

Gene: FN1 (fibronectin 1; minus strand). Cytogenetic location: 2q35.
Variant type: single nucleotide variant.
Coding change: c.1022G>C on transcript NM_212482.4 (MANE Select); coding-DNA position 1022, G replaced by C.
Protein change: p.Ser341Thr; replaces serine 341 with threonine.
Molecular consequence: missense variant.
Genome position (GRCh38, 1-based): chr2:215,425,108, C>G on the plus strand (G>C on the coding strand, the complement: FN1 is on the minus strand). VCF-style: chr2-215425108-C-G. GRCh37 (hg19) VCF-style: chr2-216289831-C-G.
Other names: c.1022G>C, p.Ser341Thr (NM_001306129.2, NM_001306130.2, NM_001306131.2 and 14 more transcripts); short protein forms S341T.
Identifiers: ClinVar variation 3725062 (VCV003725062.2).
Genomic context (GRCh38, chr2:215,425,108, plus strand): 5'-AAATAATAAAGTCATCAGTCCTATTCTTCAAAAAGATAATGCATACCTGTCTCTTGGCAG[C>G]TGACTCCGTTGCCCAGGCACGTGCAAAGCATTTGCTTATTTCCTTGTGTCTTCAGCCACT-3'
Protein context (NP_997647.2, residues 331-351): MLCTCLGNGV[Ser341Thr]CQETAVTQTY

ClinVar aggregate classification (germline): Uncertain significance (1 of 4 stars; one submission).

Submission:

Labcorp Genetics (formerly Invitae), Labcorp
Classification: Uncertain significance. Last evaluated: 2024-11-15. Review status: criteria provided, single submitter. Criteria: Invitae Variant Classification Sherloc (09022015). Collection method: clinical testing. Allele origin: germline.
Comment: This sequence change replaces serine, which is neutral and polar, with threonine, which is neutral and polar, at codon 341 of the FN1 protein (p.Ser341Thr). This variant is not present in population databases (gnomAD no frequency). This variant has not been reported in the literature in individuals affected with FN1-related conditions. An algorithm developed to predict the effect of missense changes on protein structure and function (PolyPhen-2) suggests that this variant is likely to be disruptive. In summary, the available evidence is currently insufficient to determine the role of this variant in disease. Therefore, it has been classified as a Variant of Uncertain Significance.